The following is an entry in ClinVar:

ClinVar aggregate classification (germline): Pathogenic (1 of 4 stars; one submission).

Submission:

Labcorp Genetics (formerly Invitae), Labcorp
Classification: Pathogenic. Last evaluated: 2022-11-25. Review status: criteria provided, single submitter. Criteria: Invitae Variant Classification Sherloc (09022015). Collection method: clinical testing. Allele origin: germline.
Comment: This sequence change creates a premature translational stop signal (p.Phe67Leufs*47) in the CDH23 gene. It is expected to result in an absent or disrupted protein product. Loss-of-function variants in CDH23 are known to be pathogenic (PMID: 11138009, 21940737). This variant is not present in population databases (gnomAD no frequency). This variant has not been reported in the literature in individuals affected with CDH23-related conditions. For these reasons, this variant has been classified as Pathogenic.

Literature cited by the submitters: PubMed 11138009; PubMed 21940737.

NM_022124.6(CDH23):c.201del (p.Phe67fs)

Genes: CDH23 (cadherin related 23; plus strand), CDH23-AS1 (CDH23 antisense RNA 1; minus strand). Cytogenetic location: 10q22.1.
Variant type: Deletion.
Coding change: c.201del on transcript NM_022124.6 (MANE Select); coding-DNA position 201, one base deleted (T; older notation c.201delT).
Protein change: p.Phe67fs; shifts the reading frame from phenylalanine 67.
Molecular consequence: frameshift variant.
Genome position (GRCh38, 1-based): chr10:71,510,137, T deleted; the last of 3 consecutive T bases (chr10:71,510,135-71,510,137); deleting any one gives the same sequence. VCF-style (leftmost placement, unchanged base first): chr10-71510134-GT-G. GRCh37 (hg19) VCF-style: chr10-73269891-GT-G.
Other names: c.201del, p.Phe67fs (NM_001171930.2, NM_001171931.2, NM_001171932.2 and 1 more transcripts); short protein forms F67fs.
Identifiers: ClinVar variation 3007906 (VCV003007906.3), dbSNP rs2493189700, ClinGen allele CA2740093029.